The following is an entry in ClinVar:

ClinVar aggregate classification (germline): Uncertain significance (1 of 4 stars; one submission).

Submission:

Labcorp Genetics (formerly Invitae), Labcorp
Classification: Uncertain significance. Last evaluated: 2024-03-30. Review status: criteria provided, single submitter. Criteria: Invitae Variant Classification Sherloc (09022015). Collection method: clinical testing. Allele origin: germline.
Comment: This sequence change replaces arginine, which is basic and polar, with proline, which is neutral and non-polar, at codon 478 of the GRIN2D protein (p.Arg478Pro). This variant is not present in population databases (gnomAD no frequency). This variant has not been reported in the literature in individuals affected with GRIN2D-related conditions. Advanced modeling of protein sequence and biophysical properties (such as structural, functional, and spatial information, amino acid conservation, physicochemical variation, residue mobility, and thermodynamic stability) performed at Invitae indicates that this missense variant is not expected to disrupt GRIN2D protein function with a negative predictive value of 95%. In summary, the available evidence is currently insufficient to determine the role of this variant in disease. Therefore, it has been classified as a Variant of Uncertain Significance.

NM_000836.4(GRIN2D):c.1433G>C (p.Arg478Pro)

Gene: GRIN2D (glutamate ionotropic receptor NMDA type subunit 2D; plus strand). Cytogenetic location: 19q13.33.
Variant type: single nucleotide variant.
Coding change: c.1433G>C on transcript NM_000836.4 (MANE Select); coding-DNA position 1433, G replaced by C.
Protein change: p.Arg478Pro; replaces arginine 478 with proline.
Molecular consequence: missense variant.
Genome position (GRCh38, 1-based): chr19:48,414,884, G>C. VCF-style: chr19-48414884-G-C. GRCh37 (hg19) VCF-style: chr19-48918141-G-C.
Other names: short protein forms R478P.
Identifiers: ClinVar variation 2695153 (VCV002695153.3), dbSNP rs2513671733, ClinGen allele CA406695584.